The following is an entry in ClinVar:

ClinVar aggregate classification (germline): Pathogenic (1 of 4 stars; one submission).

Conditions:
Frontotemporal dementia (FTD1). Also called: MULTIPLE SYSTEM TAUOPATHY WITH PRESENILE DEMENTIA; WILHELMSEN-LYNCH DISEASE; FRONTOTEMPORAL DEMENTIA WITH PARKINSONISM; FRONTOTEMPORAL LOBE DEMENTIA; Dementia, frontotemporal, with or without parkinsonism; Frontotemporal Dementia with Parkinsonism-17 (FTDP-17). Identifiers: Orphanet 282, MedGen C0338451, MONDO:0017276, OMIM 600274, HP:0002145.
Alzheimer disease 3 (AD3). Also called: ALZHEIMER DISEASE, FAMILIAL, 3. Identifiers: Orphanet 1020, MedGen C1843013, MONDO:0011913, OMIM 607822.
Pick disease. Also called: LOBAR ATROPHY OF BRAIN; DEMENTIA WITH LOBAR ATROPHY AND NEURONAL CYTOPLASMIC INCLUSIONS; Pick's disease; PICK DISEASE OF BRAIN; Pick Disease of the Brain. Identifiers: Orphanet 282, MedGen C0236642, MONDO:0008243, OMIM 172700.
Acne inversa, familial, 3 (ACNINV3). Identifiers: MedGen C3151038, MONDO:0013398, OMIM 613737.

Submission:

Labcorp Genetics (formerly Invitae), Labcorp
Classification: Pathogenic for Alzheimer disease 3; Pick disease; Acne inversa, familial, 3; Frontotemporal dementia. Last evaluated: 2022-10-07. Review status: criteria provided, single submitter. Criteria: Invitae Variant Classification Sherloc (09022015). Collection method: clinical testing. Allele origin: germline.
Comment: This sequence change replaces leucine, which is neutral and non-polar, with phenylalanine, which is neutral and non-polar, at codon 250 of the PSEN1 protein (p.Leu250Phe). This variant is not present in population databases (gnomAD no frequency). This missense change has been observed in individual(s) with Alzheimer disease (PMID: 20481270). It has also been observed to segregate with disease in related individuals. ClinVar contains an entry for this variant (Variation ID: 1453682). Advanced modeling of protein sequence and biophysical properties (such as structural, functional, and spatial information, amino acid conservation, physicochemical variation, residue mobility, and thermodynamic stability) performed at Invitae indicates that this missense variant is expected to disrupt PSEN1 protein function. For these reasons, this variant has been classified as Pathogenic.

Literature cited by the submitters: PubMed 20481270.

NM_000021.4(PSEN1):c.750G>T (p.Leu250Phe)

Gene: PSEN1 (presenilin 1; plus strand). Cytogenetic location: 14q24.2.
Variant type: single nucleotide variant.
Coding change: c.750G>T on transcript NM_000021.4 (MANE Select); coding-DNA position 750, G replaced by T.
Protein change: p.Leu250Phe; replaces leucine 250 with phenylalanine.
Molecular consequence: missense variant.
Genome position (GRCh38, 1-based): chr14:73,192,845, G>T. VCF-style: chr14-73192845-G-T. GRCh37 (hg19) VCF-style: chr14-73659553-G-T.
Other names: c.738G>T, p.Leu246Phe (NM_007318.3); short protein forms L250F, L246F.
Identifiers: ClinVar variation 1453682 (VCV001453682.8), dbSNP rs1898781850, ClinGen allele CA390299886.